The following is an entry in ClinVar:

NC_000001.10:g.(?_170511612)_(170514006_?)dup

Gene: GORAB (golgin, RAB6 interacting; plus strand). Cytogenetic location: 1q24.2.
Variant type: Duplication.
Identifiers: ClinVar variation 1441757 (VCV001441757.4).

ClinVar aggregate classification (germline): Uncertain significance (1 of 4 stars; one submission).

Submission:

Labcorp Genetics (formerly Invitae), Labcorp
Classification: Uncertain significance. Last evaluated: 2023-07-07. Review status: criteria provided, single submitter. Criteria: Invitae Variant Classification Sherloc (09022015). Collection method: clinical testing. Allele origin: germline.
Comment: In summary, the available evidence is currently insufficient to determine the role of this variant in disease. Therefore, it has been classified as a Variant of Uncertain Significance. This variant has not been reported in the literature in individuals affected with GORAB-related conditions. This variant results in a copy number gain of the genomic region encompassing exon(s) 3-4 of the GORAB gene. While the exact position of this variant cannot be determined from the data, sub-genic copy number gains are generally in tandem (PMID: 25640679). This variant is predicted to be in-frame, and likely preserves the integrity of the reading frame.

Literature cited by the submitters: PubMed 25640679.